The following is an entry in ClinVar:

NM_007254.4(PNKP):c.636+7G>A

Gene: PNKP (polynucleotide kinase 3'-phosphatase; minus strand). Cytogenetic location: 19q13.33.
Variant type: single nucleotide variant.
Coding change: c.636+7G>A on transcript NM_007254.4 (MANE Select); 7 bases into the intron after coding-DNA position 636, G replaced by A.
Molecular consequence: intron variant.
Genome position (GRCh38, 1-based): chr19:49,864,172, C>T on the plus strand (G>A on the coding strand, the complement: PNKP is on the minus strand). VCF-style: chr19-49864172-C-T. GRCh37 (hg19) VCF-style: chr19-50367429-C-T.
Other names: p.?.
Identifiers: ClinVar variation 138710 (VCV000138710.25), dbSNP rs3739187, ClinGen allele CA295150.

ClinVar aggregate classification (germline): Benign/Likely benign. Review status: criteria provided, multiple submitters, no conflicts (2 of 4 stars). 7 submissions from 7 submitters: Benign (5); Likely benign (2). Last evaluated 2026-01-21.

Conditions:
Developmental and epileptic encephalopathy, 12 (DEE12). Identifiers: MedGen C3150988, MONDO:0013389, OMIM 613722.
Charcot-Marie-Tooth disease type 2B2 (CMT2B2). Also called: CHARCOT-MARIE-TOOTH DISEASE, NEURONAL, TYPE 2B2; Charcot-Marie-Tooth Neuropathy Type 2B2; CHARCOT-MARIE-TOOTH DISEASE, AXONAL, TYPE 2B2; CHARCOT-MARIE-TOOTH DISEASE, AXONAL, AUTOSOMAL RECESSIVE, TYPE 2B2. Identifiers: Orphanet 101101, MedGen C1854150, MONDO:0011570, OMIM 605589.
Microcephaly, seizures, and developmental delay. Identifiers: Orphanet 1934, MedGen C3150667, MONDO:0013254, OMIM 613402.
Ataxia - oculomotor apraxia type 4. Identifiers: Orphanet 459033, MedGen C4225397, MONDO:0014557, OMIM 616267.

Allele frequency attached by ClinVar (database versions not stated): gnomAD exomes 0.00151 and 0.00484; gnomAD 0.00154 and 0.00207; TOPMed 0.00260; ExAC 0.00470; 1000 Genomes Project 30x 0.00828; 1000 Genomes Project 0.00879.
gnomAD v4.1: 2,530 of 1,614,124 alleles (0.16%); highest among the groups gnomAD compares: East Asian, 5.3%; 61 homozygotes.

Submissions (7):

Labcorp Genetics (formerly Invitae), Labcorp
Classification: Benign for Developmental and epileptic encephalopathy, 12. Last evaluated: 2026-01-21. Review status: criteria provided, single submitter. Criteria: Invitae Variant Classification Sherloc (09022015). Collection method: clinical testing. Allele origin: germline.

Mayo Clinic Laboratories, Mayo Clinic
Classification: Benign. Last evaluated: 2025-04-02. Review status: criteria provided, single submitter. Criteria: ACMG Guidelines, 2015. Collection method: clinical testing. Allele origin: germline. Observed: 2 variant alleles.

Fulgent Genetics
Classification: Likely benign for Charcot-Marie-Tooth disease type 2B2; Microcephaly, seizures, and developmental delay; Ataxia - oculomotor apraxia type 4. Last evaluated: 2021-08-23. Review status: criteria provided, single submitter. Criteria: ACMG Guidelines, 2015. Collection method: clinical testing. Allele origin: unknown.

Illumina Laboratory Services, Illumina
Classification: Likely benign for Microcephaly, seizures, and developmental delay. Last evaluated: 2017-04-27. Review status: criteria provided, single submitter. Criteria: ICSL Variant Classification Criteria 13 December 2019. Collection method: clinical testing. Allele origin: germline.
Comment: This variant was observed as part of a predisposition screen in an ostensibly healthy population. A literature search was performed for the gene, cDNA change, and amino acid change (where applicable). No publications were found based on this search. Allele frequency data from public databases allowed determination this variant is unlikely to cause disease. Therefore, this variant is classified as likely benign.

Eurofins Ntd Llc (ga)
Classification: Benign. Last evaluated: 2014-09-08. Review status: criteria provided, single submitter. Criteria: EGL Classification Definitions 2015. Collection method: clinical testing. Allele origin: germline. Observed: 1 variant allele, 1 heterozygote.

Genetic Services Laboratory, University of Chicago
Classification: Benign. Last evaluated: 2013-02-08. Review status: criteria provided, single submitter. Criteria: ACMG Guidelines, 2007. Collection method: clinical testing. Allele origin: germline. Inheritance: Autosomal recessive inheritance.

GeneDx
Classification: Benign. Last evaluated: 2013-01-16. Review status: criteria provided, single submitter. Criteria: GeneDx Variant Classification (06012015). Collection method: clinical testing. Allele origin: germline. Affected: yes.
Comment: This variant is considered likely benign or benign based on one or more of the following criteria: it is a conservative change, it occurs at a poorly conserved position in the protein, it is predicted to be benign by multiple in silico algorithms, and/or has population frequency not consistent with disease.